The following is an entry in ClinVar:

NM_018127.7(ELAC2):c.744C>G (p.His248Gln)

Gene: ELAC2 (elaC ribonuclease Z 2; minus strand). Cytogenetic location: 17p12.
Variant type: single nucleotide variant.
Coding change: c.744C>G on transcript NM_018127.7 (MANE Select); coding-DNA position 744, C replaced by G.
Protein change: p.His248Gln; replaces histidine 248 with glutamine.
Molecular consequence: missense variant.
Genome position (GRCh38, 1-based): chr17:13,005,974, G>C on the plus strand (C>G on the coding strand, the complement: ELAC2 is on the minus strand). VCF-style: chr17-13005974-G-C. GRCh37 (hg19) VCF-style: chr17-12909291-G-C.
Other names: c.624C>G, p.His208Gln (NM_001165962.2); c.744C>G, p.His248Gln (NM_173717.2); short protein forms H208Q, H248Q.
Identifiers: ClinVar variation 2063451 (VCV002063451.1), dbSNP rs1287154073, ClinGen allele CA398227639.

ClinVar aggregate classification (germline): Uncertain significance (1 of 4 stars; one submission).

Conditions:
Combined oxidative phosphorylation defect type 17. Also called: Combined oxidative phosphorylation deficiency 17. Identifiers: Orphanet 369913, MedGen C3809526, MONDO:0014190, OMIM 615440.

Allele frequency attached by ClinVar (database versions not stated): gnomAD 0.00001; gnomAD exomes 0.00001.

Submission:

Labcorp Genetics (formerly Invitae), Labcorp
Classification: Uncertain significance for Combined oxidative phosphorylation defect type 17. Last evaluated: 2022-05-27. Review status: criteria provided, single submitter. Criteria: Invitae Variant Classification Sherloc (09022015). Collection method: clinical testing. Allele origin: germline.
Comment: This sequence change replaces histidine, which is basic and polar, with glutamine, which is neutral and polar, at codon 248 of the ELAC2 protein (p.His248Gln). This variant is present in population databases (no rsID available, gnomAD 0.007%). This variant has not been reported in the literature in individuals affected with ELAC2-related conditions. Algorithms developed to predict the effect of missense changes on protein structure and function are either unavailable or do not agree on the potential impact of this missense change (SIFT: "Tolerated"; PolyPhen-2: "Probably Damaging"; Align-GVGD: "Class C0"). In summary, the available evidence is currently insufficient to determine the role of this variant in disease. Therefore, it has been classified as a Variant of Uncertain Significance.